The following is an entry in ClinVar:

NM_000702.4(ATP1A2):c.2668C>G (p.Arg890Gly)

Gene: ATP1A2 (ATPase Na+/K+ transporting subunit alpha 2; plus strand). Cytogenetic location: 1q23.2.
Variant type: single nucleotide variant.
Coding change: c.2668C>G on transcript NM_000702.4 (MANE Select); coding-DNA position 2668, C replaced by G.
Protein change: p.Arg890Gly; replaces arginine 890 with glycine.
Molecular consequence: missense variant.
Genome position (GRCh38, 1-based): chr1:160,136,674, C>G. VCF-style: chr1-160136674-C-G. GRCh37 (hg19) VCF-style: chr1-160106464-C-G.
Other names: short protein forms R890G.
Identifiers: ClinVar variation 2696013 (VCV002696013.3), dbSNP rs1651962434, ClinGen allele CA343252192.
Genomic context (GRCh38, chr1:160,136,674, plus strand): 5'-CTGGCAGAGAACGGTTTCCTGCCATCACGGCTACTGGGAATCCGCCTCGACTGGGATGAC[C>G]GGACCATGAATGATCTGGAGGACAGCTATGGACAGGAGTGGGTGAGTGGTGCTGTGTAAA-3'
Protein context (NP_000693.1, residues 880-900): LLGIRLDWDD[Arg890Gly]TMNDLEDSYG

ClinVar aggregate classification (germline): Uncertain significance (1 of 4 stars; one submission).

Conditions:
Familial hemiplegic migraine. Identifiers: MedGen C0338484, MONDO:0000700.

Submission:

Labcorp Genetics (formerly Invitae), Labcorp
Classification: Uncertain significance for Familial hemiplegic migraine. Last evaluated: 2024-07-22. Review status: criteria provided, single submitter. Criteria: Invitae Variant Classification Sherloc (09022015). Collection method: clinical testing. Allele origin: germline.
Comment: This sequence change replaces arginine, which is basic and polar, with glycine, which is neutral and non-polar, at codon 890 of the ATP1A2 protein (p.Arg890Gly). This variant is not present in population databases (gnomAD no frequency). This variant has not been reported in the literature in individuals affected with ATP1A2-related conditions. Advanced modeling of protein sequence and biophysical properties (such as structural, functional, and spatial information, amino acid conservation, physicochemical variation, residue mobility, and thermodynamic stability) has been performed at Invitae for this missense variant, however the output from this modeling did not meet the statistical confidence thresholds required to predict the impact of this variant on ATP1A2 protein function. In summary, the available evidence is currently insufficient to determine the role of this variant in disease. Therefore, it has been classified as a Variant of Uncertain Significance.